The following is an entry in ClinVar:

ClinVar aggregate classification (germline): Uncertain significance. Review status: criteria provided, multiple submitters, no conflicts (2 of 4 stars). 3 submissions from 3 submitters: Uncertain significance (3). Last evaluated 2022-10-25.

Conditions:
Rafiq syndrome (RAFQS). Identifiers: Orphanet 88616, MedGen C3280127, MONDO:0013624, OMIM 614202.
Inborn genetic diseases. Identifiers: MedGen C0950123, MeSH D030342.

Allele frequency attached by ClinVar (database versions not stated): gnomAD 0.00001 and 0.00003; ExAC 0.00002; TOPMed 0.00006; 1000 Genomes Project 30x 0.00031; 1000 Genomes Project 0.00040.

Submissions (3):

Labcorp Genetics (formerly Invitae), Labcorp
Classification: Uncertain significance for Rafiq syndrome. Last evaluated: 2022-10-25. Review status: criteria provided, single submitter. Criteria: Invitae Variant Classification Sherloc (09022015). Collection method: clinical testing. Allele origin: germline.
Comment: This sequence change replaces alanine, which is neutral and non-polar, with serine, which is neutral and polar, at codon 3 of the MAN1B1 protein (p.Ala3Ser). The frequency data for this variant in the population databases is considered unreliable, as metrics indicate poor data quality at this position in the gnomAD database. This variant has not been reported in the literature in individuals affected with MAN1B1-related conditions. ClinVar contains an entry for this variant (Variation ID: 589168). Algorithms developed to predict the effect of missense changes on protein structure and function are either unavailable or do not agree on the potential impact of this missense change (SIFT: "Deleterious"; PolyPhen-2: "Possibly Damaging"; Align-GVGD: "Class C0"). In summary, the available evidence is currently insufficient to determine the role of this variant in disease. Therefore, it has been classified as a Variant of Uncertain Significance.

Illumina Laboratory Services, Illumina
Classification: Uncertain significance for Rafiq syndrome. Last evaluated: 2018-01-13. Review status: criteria provided, single submitter. Criteria: ICSL Variant Classification Criteria 13 December 2019. Collection method: clinical testing. Allele origin: germline.

Ambry Genetics
Classification: Uncertain significance for Inborn genetic diseases. Last evaluated: 2017-05-31. Review status: criteria provided, single submitter. Criteria: Ambry Variant Classification Scheme 2023. Collection method: clinical testing. Allele origin: germline.
Comment: The p.A3S variant (also known as c.7G>T), located in coding exon 1 of the MAN1B1 gene, results from a G to T substitution at nucleotide position 7. The alanine at codon 3 is replaced by serine, an amino acid with similar properties. This amino acid position is not well conserved on limited sequence alignment. In addition, this alteration is predicted to be tolerated by in silico analysis. Since supporting evidence is limited at this time, the clinical significance of this alteration remains unclear.

NM_016219.5(MAN1B1):c.7G>T (p.Ala3Ser)

Genes: MAN1B1 (mannosidase alpha class 1B member 1; plus strand), LOC130003078 (ATAC-STARR-seq lymphoblastoid active region 29343; plus strand). Cytogenetic location: 9q34.3.
Variant type: single nucleotide variant.
Coding change: c.7G>T on transcript NM_016219.5 (MANE Select); coding-DNA position 7, G replaced by T.
Protein change: p.Ala3Ser; replaces alanine 3 with serine.
Molecular consequence: missense variant. On other transcripts: non-coding transcript variant (2).
Genome position (GRCh38, 1-based): chr9:137,087,006, G>T. VCF-style: chr9-137087006-G-T. GRCh37 (hg19) VCF-style: chr9-139981458-G-T.
Other names: short protein forms A3S.
Identifiers: ClinVar variation 589168 (VCV000589168.16), dbSNP rs573766677, ClinGen allele CA5358428.
Genomic context (GRCh38, chr9:137,087,006, plus strand): 5'-AGCGCACGCGCAGTCGCGTATCCGTGTGATGGGCGGGCTGTTGACGGCGCTGCGATGGCT[G>T]CCTGCGAGGGCAGGAGAAGCGGAGCTCTCGGTTCCTCTCAGTCGGACTTCCTGACGCCGC-3'
Protein context (NP_057303.2, residues 1-13): MA[Ala3Ser]CEGRRSGALG